The following is an entry in ClinVar:

ClinVar aggregate classification (germline): Pathogenic (1 of 4 stars; one submission).

Conditions:
Renal carnitine transport defect (CDSP). Also called: Primary carnitine deficiency; Systemic primary carnitine deficiency disease; Systemic primary carnitine deficiency; Carnitine transporter deficiency; Carnitine Deficiency, Systemic; CARNITINE DEFICIENCY, SYSTEMIC, DUE TO DEFECT IN RENAL REABSORPTION OF CARNITINE. Identifiers: Orphanet 158, MedGen C0342788, MONDO:0008919, OMIM 212140.

Allele frequency attached by ClinVar (database versions not stated): 1000 Genomes Project 30x 0.00031.
gnomAD v4.1: 2 of 1,614,090 alleles (0.00012%); highest among the groups gnomAD compares: African/African-American, 0.0013%; no homozygotes.

Submission:

Labcorp Genetics (formerly Invitae), Labcorp
Classification: Pathogenic for Renal carnitine transport defect. Last evaluated: 2025-01-01. Review status: criteria provided, single submitter. Criteria: Invitae Variant Classification Sherloc (09022015). Collection method: clinical testing. Allele origin: germline.
Comment: This sequence change replaces arginine, which is basic and polar, with proline, which is neutral and non-polar, at codon 282 of the SLC22A5 protein (p.Arg282Pro). This variant is present in population databases (no rsID available, gnomAD 0.004%). This missense change has been observed in individual(s) with primary carnitine deficiency (internal data). In at least one individual the data is consistent with being in trans (on the opposite chromosome) from a pathogenic variant. ClinVar contains an entry for this variant (Variation ID: 2146047). Invitae Evidence Modeling of protein sequence and biophysical properties (such as structural, functional, and spatial information, amino acid conservation, physicochemical variation, residue mobility, and thermodynamic stability) indicates that this missense variant is expected to disrupt SLC22A5 protein function with a positive predictive value of 95%. Algorithms developed to predict the effect of sequence changes on RNA splicing suggest that this variant may create or strengthen a splice site. This variant disrupts the p.Arg282 amino acid residue in SLC22A5. Other variant(s) that disrupt this residue have been determined to be pathogenic (PMID: 16652335, 20574985, 21922592). This suggests that this residue is clinically significant, and that variants that disrupt this residue are likely to be disease-causing. For these reasons, this variant has been classified as Pathogenic.

Literature cited by the submitters: PubMed 16652335; PubMed 20574985; PubMed 21922592.

NM_003060.4(SLC22A5):c.845G>C (p.Arg282Pro)

Gene: SLC22A5 (solute carrier family 22 member 5; plus strand). Cytogenetic location: 5q31.1.
Variant type: single nucleotide variant.
Coding change: c.845G>C on transcript NM_003060.4 (MANE Select); coding-DNA position 845, G replaced by C.
Protein change: p.Arg282Pro; replaces arginine 282 with proline.
Molecular consequence: missense variant.
Genome position (GRCh38, 1-based): chr5:132,387,045, G>C. VCF-style: chr5-132387045-G-C. GRCh37 (hg19) VCF-style: chr5-131722737-G-C.
Other names: c.917G>C, p.Arg306Pro (NM_001308122.2); short protein forms R282P, R306P.
Identifiers: ClinVar variation 2146047 (VCV002146047.4), dbSNP rs386134210, ClinGen allele CA360805539.